The following is an entry in ClinVar:

NM_002878.4(RAD51D):c.92T>C (p.Leu31Pro)

Genes: RAD51D (RAD51 paralog D; minus strand), RAD51L3-RFFL (RAD51L3-RFFL readthrough; minus strand). Cytogenetic location: 17q12.
Variant type: single nucleotide variant.
Coding change: c.92T>C on transcript NM_002878.4 (MANE Select); coding-DNA position 92, T replaced by C.
Protein change: p.Leu31Pro; replaces leucine 31 with proline.
Molecular consequence: missense variant. On other transcripts: non-coding transcript variant (2).
Genome position (GRCh38, 1-based): chr17:35,119,163, A>G on the plus strand (T>C on the coding strand, the complement: RAD51D is on the minus strand). VCF-style: chr17-35119163-A-G. GRCh37 (hg19) VCF-style: chr17-33446182-A-G.
Other names: c.92T>C, p.Leu31Pro (NM_001142571.2, NM_133629.3); short protein forms L31P.
Identifiers: ClinVar variation 1766497 (VCV001766497.5), dbSNP rs2142477822, ClinGen allele CA399092003.

ClinVar aggregate classification (germline): Uncertain significance. Review status: criteria provided, multiple submitters, no conflicts (2 of 4 stars). 2 submissions from 2 submitters: Uncertain significance (2). Last evaluated 2025-11-20.

Conditions:
Hereditary cancer-predisposing syndrome. Also called: Hereditary Cancer Syndrome; Hereditary neoplastic syndrome; Neoplastic Syndromes, Hereditary; Tumor predisposition. Identifiers: Orphanet 140162, MedGen C0027672, MeSH D009386, MONDO:0015356.

Allele frequency attached by ClinVar (database versions not stated): gnomAD exomes below 0.00001.
gnomAD v4.1: 1 of 1,613,916 alleles (0.000062%); highest among the groups gnomAD compares: Non-Finnish European, 0.000085%; no homozygotes.

Submissions (2):

Ambry Genetics
Classification: Uncertain significance for Hereditary cancer-predisposing syndrome. Last evaluated: 2025-11-20. Review status: criteria provided, single submitter. Criteria: Ambry Variant Classification Scheme 2023. Collection method: clinical testing. Allele origin: germline.
Comment: The p.L31P variant (also known as c.92T>C), located in coding exon 2 of the RAD51D gene, results from a T to C substitution at nucleotide position 92. The leucine at codon 31 is replaced by proline, an amino acid with similar properties. This amino acid position is well conserved in available vertebrate species. In addition, this alteration is predicted to be deleterious by in silico analysis. Since supporting evidence is limited at this time, the clinical significance of this alteration remains unclear.

Color Diagnostics, LLC DBA Color Health
Classification: Uncertain significance for Hereditary cancer-predisposing syndrome. Last evaluated: 2023-10-26. Review status: criteria provided, single submitter. Criteria: ACMG Guidelines, 2015. Collection method: clinical testing. Allele origin: germline.
Comment: This missense variant replaces leucine with proline at codon 31 of the RAD51D protein. Computational prediction is inconclusive regarding the impact of this variant on protein structure and function (internally defined REVEL score threshold 0.5 < inconclusive < 0.7, PMID: 27666373). To our knowledge, functional studies have not been reported for this variant. This variant has not been reported in individuals affected with RAD51D-related disorders in the literature. This variant has not been identified in the general population by the Genome Aggregation Database (gnomAD). The available evidence is insufficient to determine the role of this variant in disease conclusively. Therefore, this variant is classified as a Variant of Uncertain Significance.